The following is an entry in ClinVar:

ClinVar aggregate classification (germline): Uncertain significance (1 of 4 stars; one submission).

Submission:

GeneDx
Classification: Uncertain significance. Last evaluated: 2025-03-07. Review status: criteria provided, single submitter. Criteria: GeneDx Variant Classification Process June 2021. Collection method: clinical testing. Allele origin: germline. Affected: yes.
Comment: Not observed at significant frequency in large population cohorts (gnomAD); In silico analysis supports that this missense variant has a deleterious effect on protein structure/function; Has not been previously published as pathogenic or benign to our knowledge

NM_003482.4(KMT2D):c.41A>G (p.Glu14Gly)

Gene: KMT2D (lysine methyltransferase 2D; minus strand). Cytogenetic location: 12q13.12.
Variant type: single nucleotide variant.
Coding change: c.41A>G on transcript NM_003482.4 (MANE Select); coding-DNA position 41, A replaced by G.
Protein change: p.Glu14Gly; replaces glutamic acid 14 with glycine.
Molecular consequence: missense variant.
Genome position (GRCh38, 1-based): chr12:49,055,284, T>C on the plus strand (A>G on the coding strand, the complement: KMT2D is on the minus strand). VCF-style: chr12-49055284-T-C. GRCh37 (hg19) VCF-style: chr12-49449067-T-C.
Other names: short protein forms E14G.
Identifiers: ClinVar variation 4083073 (VCV004083073.1).